The following is an entry in ClinVar:

ClinVar aggregate classification (germline): Uncertain significance (1 of 4 stars; one submission).

Conditions:
Cohen syndrome (COH1). Also called: PEPPER SYNDROME; Cutis verticis gyrata, retinitis pigmentosa, and sensorineural deafness. Identifiers: Orphanet 193, MedGen C0265223, MONDO:0008999, OMIM 216550.

Submission:

Labcorp Genetics (formerly Invitae), Labcorp
Classification: Uncertain significance for Cohen syndrome. Last evaluated: 2025-05-18. Review status: criteria provided, single submitter. Criteria: Invitae Variant Classification Sherloc (09022015). Collection method: clinical testing. Allele origin: germline.
Comment: This sequence change replaces lysine, which is basic and polar, with asparagine, which is neutral and polar, at codon 248 of the VPS13B protein (p.Lys248Asn). This variant is not present in population databases (gnomAD no frequency). This variant has not been reported in the literature in individuals affected with VPS13B-related conditions. ClinVar contains an entry for this variant (Variation ID: 1394186). Invitae Evidence Modeling of protein sequence and biophysical properties (such as structural, functional, and spatial information, amino acid conservation, physicochemical variation, residue mobility, and thermodynamic stability) indicates that this missense variant is expected to disrupt VPS13B protein function with a positive predictive value of 80%. In summary, the available evidence is currently insufficient to determine the role of this variant in disease. Therefore, it has been classified as a Variant of Uncertain Significance.

NM_152564.5(VPS13B):c.744G>T (p.Lys248Asn)

Gene: VPS13B (vacuolar protein sorting 13 homolog B; plus strand). Cytogenetic location: 8q22.2.
Variant type: single nucleotide variant.
Coding change: c.744G>T on transcript NM_152564.5 (MANE Select); coding-DNA position 744, G replaced by T.
Protein change: p.Lys248Asn; replaces lysine 248 with asparagine.
Molecular consequence: missense variant. On other transcripts: non-coding transcript variant (1).
Genome position (GRCh38, 1-based): chr8:99,111,261, G>T. VCF-style: chr8-99111261-G-T. GRCh37 (hg19) VCF-style: chr8-100123489-G-T.
Other names: c.744G>T, p.Lys248Asn (NM_015243.3, NM_017890.5, NM_181661.3); short protein forms K248N.
Identifiers: ClinVar variation 1394186 (VCV001394186.6), dbSNP rs2132482090, ClinGen allele CA371860289.